The following is an entry in ClinVar:

NM_001378454.1(ALMS1):c.10513G>A (p.Val3505Ile)

Gene: ALMS1 (ALMS1 centrosome and basal body associated protein; plus strand). Cytogenetic location: 2p13.1.
Variant type: single nucleotide variant.
Coding change: c.10513G>A on transcript NM_001378454.1 (MANE Select); coding-DNA position 10513, G replaced by A.
Protein change: p.Val3505Ile; replaces valine 3505 with isoleucine.
Molecular consequence: missense variant.
Genome position (GRCh38, 1-based): chr2:73,572,390, G>A. VCF-style: chr2-73572390-G-A. GRCh37 (hg19) VCF-style: chr2-73799517-G-A.
Other names: c.10516G>A, p.Val3506Ile (NM_015120.4); short protein forms V3505I, V3506I.
Identifiers: ClinVar variation 4806519 (VCV004806519.1).

ClinVar aggregate classification (germline): Uncertain significance (1 of 4 stars; one submission).

Conditions:
Alstrom syndrome (ALMS). Identifiers: Orphanet 64, MedGen C0268425, MONDO:0008763, OMIM 203800.

Submission:

Labcorp Genetics (formerly Invitae), Labcorp
Classification: Uncertain significance for Alstrom syndrome. Last evaluated: 2025-07-14. Review status: criteria provided, single submitter. Criteria: Invitae Variant Classification Sherloc (09022015). Collection method: clinical testing. Allele origin: germline.
Comment: This sequence change replaces valine, which is neutral and non-polar, with isoleucine, which is neutral and non-polar, at codon 3506 of the ALMS1 protein (p.Val3506Ile). This variant is not present in population databases (gnomAD no frequency). This variant has not been reported in the literature in individuals affected with ALMS1-related conditions. An algorithm developed to predict the effect of missense changes on protein structure and function outputs the following: PolyPhen-2: "Not Available". The isoleucine amino acid residue is found in multiple mammalian species, which suggests that this missense change does not adversely affect protein function. In summary, the available evidence is currently insufficient to determine the role of this variant in disease. Therefore, it has been classified as a Variant of Uncertain Significance.